The following is an entry in ClinVar:

NM_005419.4(STAT2):c.668G>A (p.Arg223Gln)

Gene: STAT2 (signal transducer and activator of transcription 2; minus strand). Cytogenetic location: 12q13.3.
Variant type: single nucleotide variant.
Coding change: c.668G>A on transcript NM_005419.4 (MANE Select); coding-DNA position 668, G replaced by A.
Protein change: p.Arg223Gln; replaces arginine 223 with glutamine.
Molecular consequence: missense variant.
Genome position (GRCh38, 1-based): chr12:56,354,580, C>T on the plus strand (G>A on the coding strand, the complement: STAT2 is on the minus strand). VCF-style: chr12-56354580-C-T. GRCh37 (hg19) VCF-style: chr12-56748364-C-T.
Other names: c.656G>A, p.Arg219Gln (NM_001385110.1, NM_001385115.1, NM_198332.2); c.668G>A, p.Arg223Gln (NM_001385111.1, NM_001385113.1, NM_001385114.1); short protein forms R223Q, R219Q.
Identifiers: ClinVar variation 1942514 (VCV001942514.2), dbSNP rs867431348, ClinGen allele CA237654607.

ClinVar aggregate classification (germline): Uncertain significance (1 of 4 stars; one submission).

Conditions:
Primary immunodeficiency with post-measles-mumps-rubella vaccine viral infection. Also called: Immunodeficiency 44. Identifiers: Orphanet 431166, MedGen C4225260, MONDO:0014715, OMIM 616636.

Allele frequency attached by ClinVar (database versions not stated): TOPMed below 0.00001; gnomAD 0.00002.
gnomAD v4.1: 13 of 1,614,034 alleles (0.00081%); highest among the groups gnomAD compares: African/African-American, 0.0027%; no homozygotes.

Submission:

Labcorp Genetics (formerly Invitae), Labcorp
Classification: Uncertain significance for Primary immunodeficiency with post-measles-mumps-rubella vaccine viral infection. Last evaluated: 2022-07-30. Review status: criteria provided, single submitter. Criteria: Invitae Variant Classification Sherloc (09022015). Collection method: clinical testing. Allele origin: germline.
Comment: This sequence change replaces arginine, which is basic and polar, with glutamine, which is neutral and polar, at codon 223 of the STAT2 protein (p.Arg223Gln). This variant is present in population databases (no rsID available, gnomAD 0.003%). This variant has not been reported in the literature in individuals affected with STAT2-related conditions. Advanced modeling of protein sequence and biophysical properties (such as structural, functional, and spatial information, amino acid conservation, physicochemical variation, residue mobility, and thermodynamic stability) performed at Invitae indicates that this missense variant is not expected to disrupt STAT2 protein function. In summary, the available evidence is currently insufficient to determine the role of this variant in disease. Therefore, it has been classified as a Variant of Uncertain Significance.